The following is an entry in ClinVar:

ClinVar aggregate classification (germline): Benign/Likely benign. Review status: criteria provided, multiple submitters, no conflicts (2 of 4 stars). 3 submissions from 3 submitters: Benign (1); Likely benign (2). Last evaluated 2026-01-26.

Conditions:
Hereditary cancer-predisposing syndrome. Also called: Tumor predisposition; Neoplastic Syndromes, Hereditary; Hereditary Cancer Syndrome; Hereditary neoplastic syndrome. Identifiers: Orphanet 140162, MedGen C0027672, MeSH D009386, MONDO:0015356.
Familial cancer of breast. Also called: BREAST CANCER, FAMILIAL; hereditary breast carcinoma; Hereditary breast cancer. Identifiers: Orphanet 227535, MedGen C0346153, MONDO:0016419, OMIM 114480. Disease mechanism: loss of function.
Ataxia-telangiectasia syndrome (AT). Also called: Ataxia-telangiectasia; Ataxia-telangiectasia, complementation group D; AT, COMPLEMENTATION GROUP C; LOUIS-BAR SYNDROME; Cerebello-oculocutaneous telangiectasia; Immunodeficiency with ataxia telangiectasia. Identifiers: Orphanet 100, MedGen C0004135, MONDO:0008840, OMIM 208900.

Allele frequency attached by ClinVar (database versions not stated): gnomAD exomes below 0.00001.

Submissions (3):

Labcorp Genetics (formerly Invitae), Labcorp
Classification: Likely benign for Ataxia-telangiectasia syndrome. Last evaluated: 2026-01-26. Review status: criteria provided, single submitter. Criteria: Invitae Variant Classification Sherloc (09022015). Collection method: clinical testing. Allele origin: germline.

Myriad Genetics, Inc.
Classification: Benign for Familial cancer of breast. Last evaluated: 2024-05-13. Review status: criteria provided, single submitter. Criteria: Myriad Autosomal Dominant, Autosomal Recessive and X-Linked Classification Criteria (2023). Collection method: clinical testing. Allele origin: unknown.
Comment: This variant is considered benign. This variant is a silent/synonymous amino acid change and it is not expected to impact splicing.

Color Diagnostics, LLC DBA Color Health
Classification: Likely benign for Hereditary cancer-predisposing syndrome. Last evaluated: 2015-12-02. Review status: criteria provided, single submitter. Criteria: ACMG Guidelines, 2015. Collection method: clinical testing. Allele origin: germline.

NM_000051.4(ATM):c.3210A>G (p.Val1070=)

Gene: ATM (ATM serine/threonine kinase; plus strand). Cytogenetic location: 11q22.3.
Variant type: single nucleotide variant.
Coding change: c.3210A>G on transcript NM_000051.4 (MANE Select); coding-DNA position 3210, A replaced by G.
Protein change: p.Val1070=; no amino-acid change (valine 1070 retained).
Molecular consequence: synonymous variant.
Genome position (GRCh38, 1-based): chr11:108,272,778, A>G. VCF-style: chr11-108272778-A-G. GRCh37 (hg19) VCF-style: chr11-108143505-A-G.
Other names: c.3210A>G, p.Val1070= (NM_001351834.2).
Identifiers: ClinVar variation 490521 (VCV000490521.5), dbSNP rs1443665212, ClinGen allele CA476745108.
Genomic context (GRCh38, chr11:108,272,778, plus strand): 5'-GTAGGCTGATCCTTATTCAAAATGGGCCATTCTTAATGTAATGGGAAAAGACTTTCCTGT[A>G]AATGAAGTATTTACACAATTTCTTGCTGACAATCATCACCAAGTTCGCATGTTGGCTGCA-3'
Protein context (NP_000042.3, residues 1060-1080): ILNVMGKDFP[Val1070=]NEVFTQFLAD